The following is an entry in ClinVar:

NM_015102.5(NPHP4):c.2782G>T (p.Gly928Trp)

Gene: NPHP4 (nephrocystin 4; minus strand). Cytogenetic location: 1p36.31.
Variant type: single nucleotide variant.
Coding change: c.2782G>T on transcript NM_015102.5 (MANE Select); coding-DNA position 2782, G replaced by T.
Protein change: p.Gly928Trp; replaces glycine 928 with tryptophan.
Molecular consequence: missense variant. On other transcripts: non-coding transcript variant (1).
Genome position (GRCh38, 1-based): chr1:5,877,128, C>A on the plus strand (G>T on the coding strand, the complement: NPHP4 is on the minus strand). VCF-style: chr1-5877128-C-A. GRCh37 (hg19) VCF-style: chr1-5937188-C-A.
Other names: c.1243G>T, p.Gly415Trp (NM_001291593.2); c.1246G>T, p.Gly416Trp (NM_001291594.2); short protein forms G415W, G416W, G928W.
Identifiers: ClinVar variation 4993869 (VCV004993869.1).

ClinVar aggregate classification (germline): Uncertain significance (1 of 4 stars; one submission).

Conditions:
NPHP4-related disorder. Also called: NPHP4-related condition; NPHP4-related disorders. Identifiers: MedGen CN239384.

gnomAD v4.1: 1 of 1,587,996 alleles (0.000063%); highest among the groups gnomAD compares: African/African-American, 0.0013%; no homozygotes.

Submission:

PreventionGenetics, part of Exact Sciences
Classification: Uncertain significance for NPHP4-related condition. Last evaluated: 2026-04-21. Review status: criteria provided, single submitter. Criteria: ACMG Guidelines, 2015. Collection method: clinical testing. Allele origin: germline.
Comment: The NPHP4 c.2782G>T variant is predicted to result in the amino acid substitution p.Gly928Trp. To our knowledge, this variant has not been reported in the literature or in a large population database (gnomAD), indicating this variant is rare. At this time, the clinical significance of this variant is uncertain due to the absence of conclusive functional and genetic evidence.